The following is an entry in ClinVar:

NM_016203.4(PRKAG2):c.1107-7C>T

Gene: PRKAG2 (protein kinase AMP-activated non-catalytic subunit gamma 2; minus strand). Cytogenetic location: 7q36.1.
Variant type: single nucleotide variant.
Coding change: c.1107-7C>T on transcript NM_016203.4 (MANE Select); 7 bases into the intron before coding-DNA position 1107, C replaced by T.
Molecular consequence: intron variant.
Genome position (GRCh38, 1-based): chr7:151,568,849, G>A on the plus strand (C>T on the coding strand, the complement: PRKAG2 is on the minus strand). VCF-style: chr7-151568849-G-A. GRCh37 (hg19) VCF-style: chr7-151265935-G-A.
Other names: c.975-7C>T (NM_001040633.2); c.732-7C>T (NM_001304527.2); c.735-7C>T (NM_001363698.2); c.384-7C>T (NM_001304531.2, NM_024429.2).
Identifiers: ClinVar variation 921815 (VCV000921815.11), dbSNP rs775881497, ClinGen allele CA053655.
Genomic context (GRCh38, chr7:151,568,849, plus strand): 5'-ACGGGCAATCTGTGGATTTTATTTTTGATCAAGGAGTATACAGCATCGAAGAGGCTGTGG[G>A]AGAAGTCATTAAAGTTGTTAGGAGGCTTTCGAGAAAAATCAGAACACTTTGGACTACCCC-3'

ClinVar aggregate classification (germline): Likely benign. Review status: criteria provided, multiple submitters, no conflicts (2 of 4 stars). 3 submissions from 3 submitters: Likely benign (3). Last evaluated 2024-02-05.

Conditions:
Lethal congenital glycogen storage disease of heart. Also called: GLYCOGEN STORAGE DISEASE OF HEART; PHOSPHORYLASE KINASE DEFICIENCY OF HEART. Identifiers: Orphanet 439854, MedGen C1849813, MONDO:0009867, OMIM 261740.
Cardiomyopathy (CMYO). Also called: Cardiomyopathies. Identifiers: Orphanet 167848, MedGen C0878544, MONDO:0004994, HP:0001638. Inheritance: Various modes of inheritance.
Hypertrophic cardiomyopathy. Also called: HYPERTROPHIC MYOCARDIOPATHY. Identifiers: Orphanet 217569, MedGen C0007194, MeSH D002312, MONDO:0005045, HP:0001639.

Allele frequency attached by ClinVar (database versions not stated): gnomAD exomes below 0.00001; ExAC 0.00001; TOPMed 0.00001; gnomAD 0.00002 and 0.00003.
gnomAD v4.1: 35 of 1,613,416 alleles (0.0022%); highest among the groups gnomAD compares: East Asian, 0.076%; no homozygotes.

Submissions (3):

All of Us Research Program, National Institutes of Health
Classification: Likely benign for Hypertrophic cardiomyopathy. Last evaluated: 2024-02-05. Review status: criteria provided, single submitter. Criteria: ACMG Guidelines, 2015. Collection method: clinical testing. Allele origin: germline. Inheritance: Autosomal dominant inheritance. Observed: 1 variant allele, 1 heterozygote.
Comment: This study involves interpretation of variants in research participants for the purpose of population health screening. Participant phenotype was not available at the time of variant classification. Additional details can be found in publication PMID: 35346344, PMCID: PMC8962531

Labcorp Genetics (formerly Invitae), Labcorp
Classification: Likely benign for Lethal congenital glycogen storage disease of heart. Last evaluated: 2022-07-11. Review status: criteria provided, single submitter. Criteria: Invitae Variant Classification Sherloc (09022015). Collection method: clinical testing. Allele origin: germline.

Color Diagnostics, LLC DBA Color Health
Classification: Likely benign for Cardiomyopathy. Last evaluated: 2019-07-02. Review status: criteria provided, single submitter. Criteria: ACMG Guidelines, 2015. Collection method: clinical testing. Allele origin: germline.